The following is an entry in ClinVar:

ClinVar aggregate classification (germline): Uncertain significance (1 of 4 stars; one submission).

Conditions:
Cardiovascular phenotype. Identifiers: MedGen CN230736.

Submission:

Ambry Genetics
Classification: Uncertain significance for Cardiovascular phenotype. Last evaluated: 2025-09-10. Review status: criteria provided, single submitter. Criteria: Ambry Variant Classification Scheme 2023. Collection method: clinical testing. Allele origin: germline.
Comment: The p.Y114C variant (also known as c.341A>G), located in coding exon 2 of the CBL gene, results from an A to G substitution at nucleotide position 341. The tyrosine at codon 114 is replaced by cysteine, an amino acid with highly dissimilar properties. This amino acid position is conserved. In addition, this alteration is predicted to be deleterious by in silico analysis. Based on the available evidence, the clinical significance of this variant remains unclear.

NM_005188.4(CBL):c.341A>G (p.Tyr114Cys)

Gene: CBL (Cbl proto-oncogene; plus strand). Cytogenetic location: 11q23.3.
Variant type: single nucleotide variant.
Coding change: c.341A>G on transcript NM_005188.4 (MANE Select); coding-DNA position 341, A replaced by G.
Protein change: p.Tyr114Cys; replaces tyrosine 114 with cysteine.
Molecular consequence: missense variant.
Genome position (GRCh38, 1-based): chr11:119,232,593, A>G. VCF-style: chr11-119232593-A-G. GRCh37 (hg19) VCF-style: chr11-119103303-A-G.
Other names: short protein forms Y114C.
Identifiers: ClinVar variation 4219932 (VCV004219932.1).